The following is an entry in ClinVar:

NM_172107.4(KCNQ2):c.1448G>T (p.Ser483Ile)

Gene: KCNQ2 (potassium voltage-gated channel subfamily Q member 2; minus strand). Cytogenetic location: 20q13.33.
Variant type: single nucleotide variant.
Coding change: c.1448G>T on transcript NM_172107.4 (MANE Select); coding-DNA position 1448, G replaced by T.
Protein change: p.Ser483Ile; replaces serine 483 with isoleucine.
Molecular consequence: missense variant.
Genome position (GRCh38, 1-based): chr20:63,414,980, C>A on the plus strand (G>T on the coding strand, the complement: KCNQ2 is on the minus strand). VCF-style: chr20-63414980-C-A. GRCh37 (hg19) VCF-style: chr20-62046333-C-A.
Other names: c.1394G>T, p.Ser465Ile (NM_001382235.1, NM_172106.3); c.1364G>T, p.Ser455Ile (NM_004518.6); c.1358G>T, p.Ser453Ile (NM_172108.5); short protein forms S465I, S483I, S455I, S453I.
Identifiers: ClinVar variation 3720586 (VCV003720586.2).

ClinVar aggregate classification (germline): Uncertain significance (1 of 4 stars; one submission).

Conditions:
Early-infantile DEE. Also called: Ohtahara syndrome; Early infantile epileptic encephalopathy with suppression bursts; Early infantile epileptic encephalopathy. Identifiers: Orphanet 1934, MedGen C0393706, MONDO:0800491.

Submission:

Labcorp Genetics (formerly Invitae), Labcorp
Classification: Uncertain significance for Early-infantile DEE. Last evaluated: 2024-12-10. Review status: criteria provided, single submitter. Criteria: Invitae Variant Classification Sherloc (09022015). Collection method: clinical testing. Allele origin: germline.
Comment: This sequence change replaces serine, which is neutral and polar, with isoleucine, which is neutral and non-polar, at codon 483 of the KCNQ2 protein (p.Ser483Ile). This variant is not present in population databases (gnomAD no frequency). This variant has not been reported in the literature in individuals affected with KCNQ2-related conditions. Invitae Evidence Modeling of protein sequence and biophysical properties (such as structural, functional, and spatial information, amino acid conservation, physicochemical variation, residue mobility, and thermodynamic stability) indicates that this missense variant is expected to disrupt KCNQ2 protein function with a positive predictive value of 95%. In summary, the available evidence is currently insufficient to determine the role of this variant in disease. Therefore, it has been classified as a Variant of Uncertain Significance.